The following is an entry in ClinVar:

NM_001376.5(DYNC1H1):c.12760G>A (p.Gly4254Arg)

Gene: DYNC1H1 (dynein cytoplasmic 1 heavy chain 1; plus strand). Cytogenetic location: 14q32.31.
Variant type: single nucleotide variant.
Coding change: c.12760G>A on transcript NM_001376.5 (MANE Select); coding-DNA position 12760, G replaced by A.
Protein change: p.Gly4254Arg; replaces glycine 4254 with arginine.
Molecular consequence: missense variant.
Genome position (GRCh38, 1-based): chr14:102,044,349, G>A. VCF-style: chr14-102044349-G-A. GRCh37 (hg19) VCF-style: chr14-102510686-G-A.
Other names: short protein forms G4254R.
Identifiers: ClinVar variation 2578724 (VCV002578724.28), dbSNP rs2048688941, ClinGen allele CA391043823.
Genomic context (GRCh38, chr14:102,044,349, plus strand): 5'-TCACCGGATAAGATCCCGTGGTCTGCACTAAAGACCTTAATGGCCCAGTCCATTTATGGC[G>A]GGCGCGTGGACAACGAGTTTGACCAGCGTCTGCTCAACACCTTCCTGGAGCGCCTGTTCA-3'
Protein context (NP_001367.2, residues 4244-4264): KTLMAQSIYG[Gly4254Arg]RVDNEFDQRL

ClinVar aggregate classification (germline): Conflicting classifications of pathogenicity. Review status: criteria provided, conflicting classifications (1 of 4 stars). 3 submissions from 3 submitters: Likely pathogenic (1); Uncertain significance (2). Last evaluated 2023-08-01.

Conditions:
DYNC1H1-related disorder. Also called: DYNC1H1-related condition; DYNC1H1-related disorders. Identifiers: MedGen CN381529.
Charcot-Marie-Tooth disease axonal type 2O. Also called: CHARCOT-MARIE-TOOTH NEUROPATHY, AXONAL, TYPE 2O; CHARCOT-MARIE-TOOTH DISEASE, AXONAL, AUTOSOMAL DOMINANT, TYPE 2O; Charcot-Marie-Tooth Neuropathy Type 2O; Charcot-Marie-Tooth disease, axonal, type 20. Identifiers: Orphanet 284232, MedGen C3280220, MONDO:0013644, OMIM 614228.

Submissions (3):

CeGaT Center for Human Genetics Tuebingen
Classification: Uncertain significance. Last evaluated: 2023-08-01. Review status: criteria provided, single submitter. Criteria: CeGaT Center For Human Genetics Tuebingen Variant Classification Criteria Version 2. Collection method: clinical testing. Allele origin: germline. Affected: yes. Observed: 1 variant allele.
Comment: DYNC1H1: PM2, PS2:Supporting

Labcorp Genetics (formerly Invitae), Labcorp
Classification: Uncertain significance for Charcot-Marie-Tooth disease axonal type 2O. Last evaluated: 2023-06-15. Review status: criteria provided, single submitter. Criteria: Invitae Variant Classification Sherloc (09022015). Collection method: clinical testing. Allele origin: germline.
Comment: This variant has not been reported in the literature in individuals affected with DYNC1H1-related conditions. In summary, the available evidence is currently insufficient to determine the role of this variant in disease. Therefore, it has been classified as a Variant of Uncertain Significance. Algorithms developed to predict the effect of sequence changes on RNA splicing suggest that this variant may create or strengthen a splice site. Advanced modeling of protein sequence and biophysical properties (such as structural, functional, and spatial information, amino acid conservation, physicochemical variation, residue mobility, and thermodynamic stability) has been performed at Invitae for this missense variant, however the output from this modeling did not meet the statistical confidence thresholds required to predict the impact of this variant on DYNC1H1 protein function. This variant is not present in population databases (gnomAD no frequency). This sequence change replaces glycine, which is neutral and non-polar, with arginine, which is basic and polar, at codon 4254 of the DYNC1H1 protein (p.Gly4254Arg).

PreventionGenetics, part of Exact Sciences
Classification: Likely pathogenic for DYNC1H1-related condition. Last evaluated: 2023-04-12. Review status: criteria provided, single submitter. Criteria: ACMG Guidelines, 2015. Collection method: clinical testing. Allele origin: germline.
Comment: The DYNC1H1 c.12760G>A variant is predicted to result in the amino acid substitution p.Gly4254Arg. To our knowledge, this variant has not been reported in the literature or in a large population database, indicating this variant is rare. Although this variant has not been reported, it is expected to be pathogenic as many other de novo missense variants in DYNC1H1 have previously been reported to be pathogenic for DYNC1H1-related disorders (Human Gene Mutation Database). This variant is interpreted as likely pathogenic.